The following is an entry in ClinVar:

ClinVar aggregate classification (germline): Likely benign. Review status: criteria provided, multiple submitters, no conflicts (2 of 4 stars). 3 submissions from 3 submitters: Likely benign (3). Last evaluated 2024-05-17.

Conditions:
Cardiomyopathy (CMYO). Also called: Cardiomyopathies. Identifiers: Orphanet 167848, MedGen C0878544, MONDO:0004994, HP:0001638. Inheritance: Various modes of inheritance.
Lethal congenital glycogen storage disease of heart. Also called: PHOSPHORYLASE KINASE DEFICIENCY OF HEART; GLYCOGEN STORAGE DISEASE OF HEART. Identifiers: Orphanet 439854, MedGen C1849813, MONDO:0009867, OMIM 261740.
Hypertrophic cardiomyopathy. Also called: HYPERTROPHIC MYOCARDIOPATHY. Identifiers: Orphanet 217569, MedGen C0007194, MeSH D002312, MONDO:0005045, HP:0001639.

Submissions (3):

Labcorp Genetics (formerly Invitae), Labcorp
Classification: Likely benign for Lethal congenital glycogen storage disease of heart. Last evaluated: 2024-05-17. Review status: criteria provided, single submitter. Criteria: Invitae Variant Classification Sherloc (09022015). Collection method: clinical testing. Allele origin: germline.

All of Us Research Program, National Institutes of Health
Classification: Likely benign for Hypertrophic cardiomyopathy. Last evaluated: 2023-11-30. Review status: criteria provided, single submitter. Criteria: ACMG Guidelines, 2015. Collection method: clinical testing. Allele origin: germline. Inheritance: Autosomal dominant inheritance. Observed: 1 variant allele, 1 heterozygote.
Comment: This study involves interpretation of variants in research participants for the purpose of population health screening. Participant phenotype was not available at the time of variant classification. Additional details can be found in publication PMID: 35346344, PMCID: PMC8962531

Color Diagnostics, LLC DBA Color Health
Classification: Likely benign for Cardiomyopathy. Last evaluated: 2019-07-02. Review status: criteria provided, single submitter. Criteria: ACMG Guidelines, 2015. Collection method: clinical testing. Allele origin: germline.

NM_016203.4(PRKAG2):c.426C>G (p.Thr142=)

Gene: PRKAG2 (protein kinase AMP-activated non-catalytic subunit gamma 2; minus strand). Cytogenetic location: 7q36.1.
Variant type: single nucleotide variant.
Coding change: c.426C>G on transcript NM_016203.4 (MANE Select); coding-DNA position 426, C replaced by G.
Protein change: p.Thr142=; no amino-acid change (threonine 142 retained).
Molecular consequence: synonymous variant.
Genome position (GRCh38, 1-based): chr7:151,781,192, G>C on the plus strand (C>G on the coding strand, the complement: PRKAG2 is on the minus strand). VCF-style: chr7-151781192-G-C. GRCh37 (hg19) VCF-style: chr7-151478278-G-C.
Other names: c.294C>G, p.Thr98= (NM_001040633.2).
Identifiers: ClinVar variation 927213 (VCV000927213.5), dbSNP rs1050947205, ClinGen allele CA458884090.